The following is an entry in ClinVar:

ClinVar aggregate classification (germline): Likely benign (1 of 4 stars; one submission).

Allele frequency attached by ClinVar (database versions not stated): ESP Exome Variant Server 0.00015; 1000 Genomes Project 30x 0.00016; 1000 Genomes Project 0.00020; ExAC 0.00030.
gnomAD v4.1: 360 of 1,603,812 alleles (0.022%); highest among the groups gnomAD compares: Middle Eastern, 0.13%; 1 homozygote.

Submission:

CeGaT Center for Human Genetics Tuebingen
Classification: Likely benign. Last evaluated: 2022-05-01. Review status: criteria provided, single submitter. Criteria: CeGaT Center For Human Genetics Tuebingen Variant Classification Criteria Version 2. Collection method: clinical testing. Allele origin: germline. Affected: yes. Observed: 1 variant allele.
Comment: ADGRG3: BP4, BP7

NM_170776.5(ADGRG3):c.1635C>T (p.Ser545=)

Gene: ADGRG3 (adhesion G protein-coupled receptor G3; plus strand). Cytogenetic location: 16q21.
Variant type: single nucleotide variant.
Coding change: c.1635C>T on transcript NM_170776.5 (MANE Select); coding-DNA position 1635, C replaced by T.
Protein change: p.Ser545=; no amino-acid change (serine 545 retained).
Molecular consequence: synonymous variant.
Genome position (GRCh38, 1-based): chr16:57,688,446, C>T. VCF-style: chr16-57688446-C-T. GRCh37 (hg19) VCF-style: chr16-57722358-C-T.
Other names: c.1275C>T, p.Ser425= (NM_001308360.2).
Identifiers: ClinVar variation 2646561 (VCV002646561.24), dbSNP rs147994431, ClinGen allele CA8079569.